The following is an entry in ClinVar:

ClinVar aggregate classification (germline): Pathogenic (1 of 4 stars; one submission).

Conditions:
Very long chain acyl-CoA dehydrogenase deficiency (ACADVLD). Also called: Very Long-Chain Acyl-Coenzyme A Dehydrogenase Deficiency; VLCAD Deficiency. Identifiers: Orphanet 26793, MedGen C3887523, MONDO:0008723, OMIM 201475.

Submission:

Women's Health and Genetics/Laboratory Corporation of America, LabCorp
Classification: Pathogenic for Very long chain acyl-CoA dehydrogenase deficiency. Last evaluated: 2025-05-30. Review status: criteria provided, single submitter. Criteria: LabCorp Variant Classification Summary - May 2015. Collection method: clinical testing. Allele origin: germline.
Comment: Variant summary: ACADVL c.30_31delinsC (p.Leu10PhefsX6) results in a premature termination codon, predicted to cause a truncation of the encoded protein or absence of the protein due to nonsense mediated decay, which are commonly known mechanisms for disease. The variant was absent in 1605194 control chromosomes. To our knowledge, no occurrence of c.30_31delinsC in individuals affected with Very Long Chain Acyl-CoA Dehydrogenase Deficiency and no experimental evidence demonstrating its impact on protein function have been reported. No submitters have cited clinical-significance assessments for this variant to ClinVar. Based on the evidence outlined above, the variant was classified as pathogenic.

NM_000018.4(ACADVL):c.30_31delinsC (p.Leu10fs)

Genes: ACADVL (acyl-CoA dehydrogenase very long chain; plus strand), DLG4 (discs large MAGUK scaffold protein 4; minus strand). Cytogenetic location: 17p13.1.
Variant type: Indel.
Coding change: c.30_31delinsC on transcript NM_000018.4 (MANE Select); coding-DNA positions 30 to 31, GG replaced by C.
Protein change: p.Leu10fs; shifts the reading frame from leucine 10.
Molecular consequence: frameshift variant. On other transcripts: 5 prime UTR variant (2), non-coding transcript variant (1), intron variant (1).
Genome position (GRCh38, 1-based): chr17:7,220,014-7,220,015, GG replaced by C. VCF-style: chr17-7220014-GG-C. GRCh37 (hg19) VCF-style: chr17-7123333-GG-C.
Other names: c.-1166_-1165delinsG (NM_001321074.1); c.30_31delinsC, p.Leu10fs (NM_001033859.3); c.-274_-273delinsC (NM_001270448.2); c.132-108_132-107delinsC (NM_001270447.2); short protein forms L10fs.
Identifiers: ClinVar variation 3902108 (VCV003902108.1).
Genomic context (GRCh38, chr17:7,220,014, plus strand): 5'-TCGAGCCAGCGGCGCCCGGAGAGATTCGGAGATGCAGGCGGCTCGGATGGCCGCGAGCTT[GG>C]GGCGGCAGCTGCTGAGGCTCGGGGGCGGAAGGTCTGTGTGTGACAAGAGGGACGGTGGGC-3'